The following is an entry in ClinVar:

NM_000098.3(CPT2):c.583G>C (p.Val195Leu)

Gene: CPT2 (carnitine palmitoyltransferase 2; plus strand). Cytogenetic location: 1p32.3.
Variant type: single nucleotide variant.
Coding change: c.583G>C on transcript NM_000098.3 (MANE Select); coding-DNA position 583, G replaced by C.
Protein change: p.Val195Leu; replaces valine 195 with leucine.
Molecular consequence: missense variant.
Genome position (GRCh38, 1-based): chr1:53,210,257, G>C. VCF-style: chr1-53210257-G-C. GRCh37 (hg19) VCF-style: chr1-53675929-G-C.
Other names: c.583G>C, p.Val195Leu (NM_001330589.2); short protein forms V195L.
Identifiers: ClinVar variation 1473620 (VCV001473620.8), dbSNP rs2100272135, ClinGen allele CA340392772.

ClinVar aggregate classification (germline): Uncertain significance (1 of 4 stars; one submission).

Conditions:
Carnitine palmitoyltransferase II deficiency. Also called: Carnitine Palmitoyltransferase 2 Deficiency. Identifiers: Orphanet 157, MedGen C0342790, MONDO:0015515.

gnomAD v4.1: 1 of 1,614,126 alleles (0.000062%); highest among the groups gnomAD compares: South Asian, 0.0011%; no homozygotes.

Submission:

Labcorp Genetics (formerly Invitae), Labcorp
Classification: Uncertain significance for Carnitine palmitoyltransferase II deficiency. Last evaluated: 2022-10-17. Review status: criteria provided, single submitter. Criteria: Invitae Variant Classification Sherloc (09022015). Collection method: clinical testing. Allele origin: germline.
Comment: In summary, the available evidence is currently insufficient to determine the role of this variant in disease. Therefore, it has been classified as a Variant of Uncertain Significance. Advanced modeling of protein sequence and biophysical properties (such as structural, functional, and spatial information, amino acid conservation, physicochemical variation, residue mobility, and thermodynamic stability) performed at Invitae indicates that this missense variant is not expected to disrupt CPT2 protein function. ClinVar contains an entry for this variant (Variation ID: 1473620). This variant has not been reported in the literature in individuals affected with CPT2-related conditions. This variant is not present in population databases (gnomAD no frequency). This sequence change replaces valine, which is neutral and non-polar, with leucine, which is neutral and non-polar, at codon 195 of the CPT2 protein (p.Val195Leu).